The following is an entry in ClinVar:

NM_000719.7(CACNA1C):c.787A>T (p.Lys263Ter)

Gene: CACNA1C (calcium voltage-gated channel subunit alpha1 C; plus strand). Cytogenetic location: 12p13.33.
Variant type: single nucleotide variant.
Coding change: c.787A>T on transcript NM_000719.7 (MANE Select); coding-DNA position 787, A replaced by T.
Protein change: p.Lys263Ter; replaces lysine 263 with a stop codon.
Molecular consequence: nonsense.
Genome position (GRCh38, 1-based): chr12:2,486,133, A>T. VCF-style: chr12-2486133-A-T. GRCh37 (hg19) VCF-style: chr12-2595299-A-T.
Other names: c.787A>T, p.Lys263Ter (NM_001129837.2, NM_001129838.2, NM_001129839.2 and 19 more transcripts); short protein forms K263*.
Identifiers: ClinVar variation 3347756 (VCV003347756.1).

ClinVar aggregate classification (germline): Uncertain significance (0 of 4 stars; one submission).

Conditions:
CACNA1C-related disorder. Also called: CACNA1C-related disorders; CACNA1C-related condition. Identifiers: MedGen CN381092, MONDO:0700321.

Submission:

PreventionGenetics, part of Exact Sciences
Classification: Uncertain significance for CACNA1C-related condition. Last evaluated: 2024-06-17. Review status: no assertion criteria provided. Collection method: clinical testing. Allele origin: germline.
Comment: The CACNA1C c.787A>T variant is predicted to result in premature protein termination (p.Lys263*). To our knowledge, this variant has not been reported in the literature or in a large population database, indicating this variant is rare. Most disease-associated variants in CACNA1C are missense variants, but several truncating variants have been associated with a non-cardiac neurological phenotype (Rodan et al. 2021. PubMed ID: 34163037). At this time, the clinical significance of this variant is uncertain due to the absence of conclusive functional and genetic evidence.